The following is an entry in ClinVar:

ClinVar aggregate classification (germline): Uncertain significance (1 of 4 stars; one submission).

Conditions:
Charcot-Marie-Tooth disease type 2. Also called: Charcot-Marie-Tooth type 2. Identifiers: Orphanet 64746, MedGen C0270914, MONDO:0018993.

Submission:

Laboratório de Neurologia Aplicada e Experimental, Faculdade de Medicina de Ribeirao Preto – Universidade de Sao Paulo
Classification: Uncertain significance for Charcot-Marie-Tooth disease type 2. Last evaluated: 2021-07-20. Review status: criteria provided, single submitter. Criteria: ACMG Guidelines, 2015. Collection method: research. Allele origin: germline. Inheritance: Autosomal dominant inheritance. Affected: yes. Observed: 1 variant allele, 1 heterozygote.
Comment: The c.1156A>G (p.Met386Val) variant in the SETX gene has not been described in the literature to our knowledge. This variant replaces Methionine with Valine at codon 386 of the SETX protein that is highly conserved across different species. This variant is not present in population databases (GnomAD and ABraOM), suggesting it is not a common benign variant in these populations. In summary, the available evidence is insufficient to determine the clinical significance of this variant. Therefore, it has been classified as a variant of uncertain significance (VUS).

NM_015046.7(SETX):c.1156A>G (p.Met386Val)

Gene: SETX (senataxin; minus strand). Cytogenetic location: 9q34.13.
Variant type: single nucleotide variant.
Coding change: c.1156A>G on transcript NM_015046.7 (MANE Select); coding-DNA position 1156, A replaced by G.
Protein change: p.Met386Val; replaces methionine 386 with valine.
Molecular consequence: missense variant.
Genome position (GRCh38, 1-based): chr9:132,330,442, T>C on the plus strand (A>G on the coding strand, the complement: SETX is on the minus strand). VCF-style: chr9-132330442-T-C. GRCh37 (hg19) VCF-style: chr9-135205829-T-C.
Other names: chr9-132330442-T-C; p.Met386Val; c.1156A>G, p.Met386Val (NM_001351527.2, NM_001351528.2); short protein forms M386V.
Identifiers: ClinVar variation 1299688 (VCV001299688.1), dbSNP rs2131463372, ClinGen allele CA375345384.